The following is an entry in ClinVar:

NM_021831.6(AGBL5):c.1604A>G (p.Asn535Ser)

Gene: AGBL5 (AGBL carboxypeptidase 5; plus strand). Cytogenetic location: 2p23.3.
Variant type: single nucleotide variant.
Coding change: c.1604A>G on transcript NM_021831.6 (MANE Select); coding-DNA position 1604, A replaced by G.
Protein change: p.Asn535Ser; replaces asparagine 535 with serine.
Molecular consequence: missense variant. On other transcripts: non-coding transcript variant (2).
Genome position (GRCh38, 1-based): chr2:27,057,371, A>G. VCF-style: chr2-27057371-A-G. GRCh37 (hg19) VCF-style: chr2-27280239-A-G.
Other names: c.1604A>G, p.Asn535Ser (NM_001035507.3); short protein forms N535S.
Identifiers: ClinVar variation 835951 (VCV000835951.11), dbSNP rs141840349, ClinGen allele CA1567914.

ClinVar aggregate classification (germline): Uncertain significance. Review status: criteria provided, multiple submitters, no conflicts (2 of 4 stars). 2 submissions from 2 submitters: Uncertain significance (2). Last evaluated 2025-12-08.

Conditions:
Inborn genetic diseases. Identifiers: MedGen C0950123, MeSH D030342.

Allele frequency attached by ClinVar (database versions not stated): TOPMed 0.00004; gnomAD exomes 0.00006 and 0.00010; gnomAD 0.00007; ExAC 0.00008; ESP Exome Variant Server 0.00015.
gnomAD v4.1: 155 of 1,613,948 alleles (0.0096%); highest among the groups gnomAD compares: Non-Finnish European, 0.013%; no homozygotes.

Submissions (2):

Ambry Genetics
Classification: Uncertain significance for Inborn genetic diseases. Last evaluated: 2025-12-08. Review status: criteria provided, single submitter. Criteria: Ambry Variant Classification Scheme 2023. Collection method: clinical testing. Allele origin: germline.

Labcorp Genetics (formerly Invitae), Labcorp
Classification: Uncertain significance. Last evaluated: 2022-06-08. Review status: criteria provided, single submitter. Criteria: Invitae Variant Classification Sherloc (09022015). Collection method: clinical testing. Allele origin: germline.
Comment: Algorithms developed to predict the effect of missense changes on protein structure and function (SIFT, PolyPhen-2, Align-GVGD) all suggest that this variant is likely to be tolerated. Algorithms developed to predict the effect of sequence changes on RNA splicing suggest that this variant may create or strengthen a splice site. In summary, the available evidence is currently insufficient to determine the role of this variant in disease. Therefore, it has been classified as a Variant of Uncertain Significance. ClinVar contains an entry for this variant (Variation ID: 835951). This variant has not been reported in the literature in individuals affected with AGBL5-related conditions. This variant is present in population databases (rs141840349, gnomAD 0.01%). This sequence change replaces asparagine, which is neutral and polar, with serine, which is neutral and polar, at codon 535 of the AGBL5 protein (p.Asn535Ser).